The following is an entry in ClinVar:

ClinVar aggregate classification (germline): Likely benign (1 of 4 stars; one submission).

Conditions:
NIPBL-related disorder. Also called: NIPBL-related condition.

Submission:

PreventionGenetics, part of Exact Sciences
Classification: Likely benign for NIPBL-related condition. Last evaluated: 2025-02-18. Review status: criteria provided, single submitter. Criteria: ACMG Guidelines, 2015. Collection method: clinical testing. Allele origin: germline.
Comment: This variant is classified as likely benign based on ACMG/AMP sequence variant interpretation guidelines (Richards et al. 2015 PMID: 25741868, with internal and published modifications).

NM_133433.4(NIPBL):c.5226-10T>A

Gene: NIPBL (NIPBL cohesin loading factor; plus strand). Cytogenetic location: 5p13.2.
Variant type: single nucleotide variant.
Coding change: c.5226-10T>A on transcript NM_133433.4 (MANE Select); 10 bases into the intron before coding-DNA position 5226, T replaced by A.
Molecular consequence: intron variant.
Genome position (GRCh38, 1-based): chr5:37,020,765, T>A. VCF-style: chr5-37020765-T-A. GRCh37 (hg19) VCF-style: chr5-37020867-T-A.
Other names: c.5226-10T>A (NM_001438586.1, NM_015384.5).
Identifiers: ClinVar variation 5000006 (VCV005000006.1).